The following is an entry in ClinVar:

ClinVar aggregate classification (germline): Pathogenic/Likely pathogenic. Review status: criteria provided, multiple submitters, no conflicts (2 of 4 stars). 4 submissions from 4 submitters: Pathogenic (2); Likely pathogenic (1). 1 of the submissions does not count toward it. Last evaluated 2025-10-13.

Conditions:
Retinitis pigmentosa (RP). Identifiers: Orphanet 791, MedGen C0035334, MeSH D012174, MONDO:0019200, OMIM 268000. Inheritance: Autosomal dominant, autosomal recessive and X linked inheritance.
Bardet-Biedl syndrome (BBS). Identifiers: Orphanet 110, MedGen C0752166, MONDO:0015229.
Bardet-Biedl syndrome 1 (BBS1). Identifiers: MedGen C2936862, MONDO:0008854, OMIM 209900. Disease mechanism: loss of function.

Allele frequency attached by ClinVar (database versions not stated): gnomAD exomes below 0.00001.

Submissions (4):

Labcorp Genetics (formerly Invitae), Labcorp
Classification: Pathogenic for Bardet-Biedl syndrome. Last evaluated: 2025-10-13. Review status: criteria provided, single submitter. Criteria: Invitae Variant Classification Sherloc (09022015). Collection method: clinical testing. Allele origin: germline.
Comment: This sequence change replaces glycine, which is neutral and non-polar, with arginine, which is basic and polar, at codon 318 of the BBS1 protein (p.Gly318Arg). This variant is not present in population databases (gnomAD no frequency). This missense change has been observed in individual(s) with clinical features of BBS1-related conditions (PMID: 32531858, 37446072). In at least one individual the data is consistent with being in trans (on the opposite chromosome) from a pathogenic variant. ClinVar contains an entry for this variant (Variation ID: 444259). Invitae Evidence Modeling of protein sequence and biophysical properties (such as structural, functional, and spatial information, amino acid conservation, physicochemical variation, residue mobility, and thermodynamic stability) indicates that this missense variant is expected to disrupt BBS1 protein function with a positive predictive value of 95%. Algorithms developed to predict the effect of sequence changes on RNA splicing suggest that this variant may disrupt the consensus splice site. For these reasons, this variant has been classified as Pathogenic.

Molecular Genetics Laboratory, Institute for Ophthalmic Research
Classification: Pathogenic for Retinitis pigmentosa. Last evaluated: 2020-01-09. Review status: criteria provided, single submitter. Criteria: ACMG Guidelines, 2015. Collection method: research. Allele origin: germline. Affected: yes.

CeGaT Center for Human Genetics Tuebingen
Classification: Likely pathogenic. Last evaluated: 2017-06-01. Review status: criteria provided, single submitter. Criteria: CeGaT Center For Human Genetics Tuebingen Variant Classification Criteria Version 2. Collection method: clinical testing. Allele origin: germline. Affected: yes. Observed: 1 variant allele.

Counsyl
Classification: Uncertain significance for Bardet-Biedl syndrome 1. Last evaluated: 2018-05-29. Review status: no assertion criteria provided. Collection method: clinical testing. Allele origin: unknown. Not counted in ClinVar's aggregate classification.

Literature cited by the submitters: PubMed 32531858 (cited by Labcorp Genetics (formerly Invitae), Labcorp); PubMed 37446072 (cited by Labcorp Genetics (formerly Invitae), Labcorp).

NM_024649.5(BBS1):c.952G>A (p.Gly318Arg)

Genes: BBS1 (Bardet-Biedl syndrome 1; plus strand), ZDHHC24 (zDHHC palmitoyltransferase 24; minus strand). Cytogenetic location: 11q13.2.
Variant type: single nucleotide variant.
Coding change: c.952G>A on transcript NM_024649.5 (MANE Select); coding-DNA position 952, G replaced by A.
Protein change: p.Gly318Arg; replaces glycine 318 with arginine.
Molecular consequence: missense variant. On other transcripts: intron variant (1).
Genome position (GRCh38, 1-based): chr11:66,523,724, G>A. VCF-style: chr11-66523724-G-A. GRCh37 (hg19) VCF-style: chr11-66291195-G-A.
Other names: c.*22-2258C>T (NM_001348571.2); short protein forms G318R.
Identifiers: ClinVar variation 444259 (VCV000444259.43), dbSNP rs1555048487, ClinGen allele CA381461967.
Genomic context (GRCh38, chr11:66,523,724, plus strand): 5'-AAACCGTTCTTTCCACTGTAAGCCCTGAGCCCTCCACAGACGCTGGCTGTTCCCTGCCAG[G>A]GGAAGAAGCTGTGGACAGTGCAGATGCCCGCAGCCATCCTGACCATGAACCTCCTGGAGC-3'
Protein context (NP_078925.3, residues 308-328): QDSLHGFTHK[Gly318Arg]KKLWTVQMPA